The following is an entry in ClinVar:

ClinVar aggregate classification (germline): Pathogenic. Review status: criteria provided, multiple submitters, no conflicts (2 of 4 stars). 2 submissions from 2 submitters: Pathogenic (2). Last evaluated 2023-05-02.

Conditions:
Connective tissue disorder. Also called: Connective tissue disease. Identifiers: MedGen C0009782, MONDO:0003900.

Submissions (2):

GeneDx
Classification: Pathogenic. Last evaluated: 2023-05-02. Review status: criteria provided, single submitter. Criteria: GeneDx Variant Classification Process June 2021. Collection method: clinical testing. Allele origin: germline. Affected: yes.
Comment: Has been identified in an individual with Marfan or Marfan-like syndrome in published literature (Stark et al., 2020); Not observed at significant frequency in large population cohorts (gnomAD); Nonsense variant predicted to result in protein truncation or nonsense mediated decay in a gene for which loss of function is a known mechanism of disease; This variant is associated with the following publications: (PMID: 32679894)

Genome Diagnostics Laboratory, The Hospital for Sick Children
Classification: Pathogenic for Connective tissue disorder. Last evaluated: 2021-08-19. Review status: criteria provided, single submitter. Criteria: ACMG Guidelines, 2015. Collection method: clinical testing. Allele origin: germline.

NM_000138.5(FBN1):c.2670C>A (p.Cys890Ter)

Gene: FBN1 (fibrillin 1; minus strand). Cytogenetic location: 15q21.1.
Variant type: single nucleotide variant.
Coding change: c.2670C>A on transcript NM_000138.5 (MANE Select); coding-DNA position 2670, C replaced by A.
Protein change: p.Cys890Ter; replaces cysteine 890 with a stop codon.
Molecular consequence: nonsense.
Genome position (GRCh38, 1-based): chr15:48,495,130, G>T on the plus strand (C>A on the coding strand, the complement: FBN1 is on the minus strand). VCF-style: chr15-48495130-G-T. GRCh37 (hg19) VCF-style: chr15-48787327-G-T.
Other names: short protein forms C890*.
Identifiers: ClinVar variation 1343082 (VCV001343082.6), dbSNP rs2141303490, ClinGen allele CA392331927.
Genomic context (GRCh38, chr15:48,495,130, plus strand): 5'-TTATGCAAAGACCATTGGAGTGGTATAGGAACCACAGCATGGGTTTCTCTTACCAACTTG[G>T]CATAGGGTGCACGGGCTTCCCCACGCAGCACCGAGGGAGGAGCAGCACTGGGACTTTAAG-3'